The following is an entry in ClinVar:

ClinVar aggregate classification (germline): Uncertain significance (1 of 4 stars; one submission).

gnomAD v4.1: 1 of 1,595,866 alleles (0.000063%); highest among the groups gnomAD compares: Non-Finnish European, 0.000085%; no homozygotes.

Submission:

Ambry Genetics
Classification: Uncertain significance. Last evaluated: 2026-09-04. Review status: criteria provided, single submitter. Criteria: Ambry Variant Classification Scheme 2023. Collection method: clinical testing. Allele origin: germline.
Comment: The p.P587R variant (also known as c.1760C>G), located in coding exon 8 of the RNF43 gene, results from a C to G substitution at nucleotide position 1760. The proline at codon 587 is replaced by arginine, an amino acid with dissimilar properties. This amino acid position is conserved. In addition, this alteration is predicted to be tolerated by in silico analysis. Based on the available evidence, the clinical significance of this variant remains unclear.

NM_017763.6(RNF43):c.1760C>G (p.Pro587Arg)

Gene: RNF43 (ring finger protein 43; minus strand). Cytogenetic location: 17q22.
Variant type: single nucleotide variant.
Coding change: c.1760C>G on transcript NM_017763.6 (MANE Select); coding-DNA position 1760, C replaced by G.
Protein change: p.Pro587Arg; replaces proline 587 with arginine.
Molecular consequence: missense variant.
Genome position (GRCh38, 1-based): chr17:58,358,016, G>C on the plus strand (C>G on the coding strand, the complement: RNF43 is on the minus strand). VCF-style: chr17-58358016-G-C. GRCh37 (hg19) VCF-style: chr17-56435377-G-C.
Other names: c.1760C>G, p.Pro587Arg (NM_001305544.3, NM_001438820.1, NM_001438821.1 and 1 more transcripts); c.1379C>G, p.Pro460Arg (NM_001305545.2, NM_001437987.1); short protein forms P587R, P460R.
Identifiers: ClinVar variation 5028367 (VCV005028367.1).